The following is an entry in ClinVar:

NM_005379.4(MYO1A):c.2684T>C (p.Met895Thr)

Gene: MYO1A (myosin IA; minus strand). Cytogenetic location: 12q13.3.
Variant type: single nucleotide variant.
Coding change: c.2684T>C on transcript NM_005379.4 (MANE Select); coding-DNA position 2684, T replaced by C.
Protein change: p.Met895Thr; replaces methionine 895 with threonine.
Molecular consequence: missense variant.
Genome position (GRCh38, 1-based): chr12:57,029,780, A>G on the plus strand (T>C on the coding strand, the complement: MYO1A is on the minus strand). VCF-style: chr12-57029780-A-G. GRCh37 (hg19) VCF-style: chr12-57423564-A-G.
Other names: c.2684T>C, p.Met895Thr (NM_001256041.2); short protein forms M895T.
Identifiers: ClinVar variation 227658 (VCV000227658.8), dbSNP rs148582008, ClinGen allele CA6639646.

ClinVar aggregate classification (germline): Conflicting classifications of pathogenicity. Review status: criteria provided, conflicting classifications (1 of 4 stars). 2 submissions from 2 submitters: Uncertain significance (1); Likely benign (1). Last evaluated 2016-10-28.

Allele frequency attached by ClinVar (database versions not stated): gnomAD 0.00011; gnomAD exomes 0.00014 and 0.00016; TOPMed 0.00014; ExAC 0.00015; ESP Exome Variant Server 0.00023.
gnomAD v4.1: 226 of 1,614,174 alleles (0.014%); highest among the groups gnomAD compares: Non-Finnish European, 0.015%; no homozygotes.

Submissions (2):

Eurofins Ntd Llc (ga)
Classification: Uncertain significance. Last evaluated: 2016-10-28. Review status: criteria provided, single submitter. Criteria: EGL Classification Definitions 2015. Collection method: clinical testing. Allele origin: germline. Observed: 1 variant allele, 1 heterozygote.

Laboratory for Molecular Medicine, Mass General Brigham Personalized Medicine
Classification: Likely benign. Last evaluated: 2015-02-02. Review status: criteria provided, single submitter. Criteria: LMM Criteria. Collection method: clinical testing. Allele origin: germline. Observed: 1 variant allele.
Comment: p.Met895Thr in exon 25 of MYO1A: This variant is not expected to have clinical s ignificance to hearing loss because recent evidence has disqualified an associat ion between variants in the MYO1A gene and hearing loss (Eisenberger 2014). In addition, this variant has been identified in 18/67688 European chromosomes by t he Exome Aggregation Consortium (ExAC; dbSNP rs1 48582008), and the methionine (Met) at position 895 is not conserved in mammals or in evolutionarily distant species.

Literature cited by the submitters: PubMed 24616153 (cited by Laboratory for Molecular Medicine, Mass General Brigham Personalized Medicine).